The following is an entry in ClinVar:

NC_000008.10:g.(?_11565822)_(11566457_?)del

Gene: GATA4 (GATA binding protein 4). Cytogenetic location: 8p23.1.
Variant type: Deletion.
Identifiers: ClinVar variation 2424349 (VCV002424349.4).

ClinVar aggregate classification (germline): Pathogenic (1 of 4 stars; one submission).

Conditions:
Atrioventricular septal defect 4 (AVSD4). Identifiers: MedGen C3280781, MONDO:0013747, OMIM 614430.

Submission:

Labcorp Genetics (formerly Invitae), Labcorp
Classification: Pathogenic for Atrioventricular septal defect 4. Last evaluated: 2022-01-12. Review status: criteria provided, single submitter. Criteria: Invitae Variant Classification Sherloc (09022015). Collection method: clinical testing. Allele origin: germline.
Comment: This variant is a gross deletion of the genomic region encompassing exon(s) 2 of the GATA4 gene, which includes the initiator codon. This deletion extends beyond the assayed region for this gene and therefore may encompass additional genes. It is expected to result in an absent or disrupted protein product. Loss-of-function variants in GATA4 are known to be pathogenic (PMID: 12845333, 15235040). For these reasons, this variant has been classified as Pathogenic. This variant has not been reported in the literature in individuals affected with GATA4-related conditions.

Literature cited by the submitters: PubMed 12845333; PubMed 15235040.